The following is an entry in ClinVar:

NM_001129.5(AEBP1):c.712C>A (p.Gln238Lys)

Gene: AEBP1 (AE binding protein 1; plus strand). Cytogenetic location: 7p13.
Variant type: single nucleotide variant.
Coding change: c.712C>A on transcript NM_001129.5 (MANE Select); coding-DNA position 712, C replaced by A.
Protein change: p.Gln238Lys; replaces glutamine 238 with lysine.
Molecular consequence: missense variant.
Genome position (GRCh38, 1-based): chr7:44,107,673, C>A. VCF-style: chr7-44107673-C-A. GRCh37 (hg19) VCF-style: chr7-44147272-C-A.
Other names: p.Gln238Lys; short protein forms Q238K.
Identifiers: ClinVar variation 1929259 (VCV001929259.4), dbSNP rs142763648, ClinGen allele CA4237583.

ClinVar aggregate classification (germline): Uncertain significance. Review status: criteria provided, multiple submitters, no conflicts (2 of 4 stars). 2 submissions from 2 submitters: Uncertain significance (2). Last evaluated 2026-01-04.

Allele frequency attached by ClinVar (database versions not stated): ExAC 0.00002; gnomAD 0.00002; TOPMed 0.00002; gnomAD exomes 0.00004; ESP Exome Variant Server 0.00008.
gnomAD v4.1: 59 of 1,613,548 alleles (0.0037%); highest among the groups gnomAD compares: Non-Finnish European, 0.0049%; no homozygotes.

Submissions (2):

Labcorp Genetics (formerly Invitae), Labcorp
Classification: Uncertain significance. Last evaluated: 2026-01-04. Review status: criteria provided, single submitter. Criteria: Invitae Variant Classification Sherloc (09022015). Collection method: clinical testing. Allele origin: germline.
Comment: This sequence change replaces glutamine, which is neutral and polar, with lysine, which is basic and polar, at codon 238 of the AEBP1 protein (p.Gln238Lys). This variant is present in population databases (rs142763648, gnomAD 0.002%). This variant has not been reported in the literature in individuals affected with AEBP1-related conditions. ClinVar contains an entry for this variant (Variation ID: 1929259). An algorithm developed to predict the effect of missense changes on protein structure and function (PolyPhen-2) suggests that this variant is likely to be tolerated. In summary, the available evidence is currently insufficient to determine the role of this variant in disease. Therefore, it has been classified as a Variant of Uncertain Significance.

Mayo Clinic Laboratories, Mayo Clinic
Classification: Uncertain significance. Last evaluated: 2025-02-28. Review status: criteria provided, single submitter. Criteria: ACMG Guidelines, 2015. Collection method: clinical testing. Allele origin: germline. Observed: 1 variant allele.
Comment: BP4, PM2_supporting